The following is an entry in ClinVar:

NM_018958.3(NPAP1):c.498G>A (p.Pro166=)

Gene: NPAP1 (nuclear pore associated protein 1; plus strand). Cytogenetic location: 15q11.2.
Variant type: single nucleotide variant.
Coding change: c.498G>A on transcript NM_018958.3 (MANE Select); coding-DNA position 498, G replaced by A.
Protein change: p.Pro166=; no amino-acid change (proline 166 retained).
Molecular consequence: synonymous variant.
Genome position (GRCh38, 1-based): chr15:24,676,365, G>A. VCF-style: chr15-24676365-G-A. GRCh37 (hg19) VCF-style: chr15-24921512-G-A.
Identifiers: ClinVar variation 713578 (VCV000713578.11), dbSNP rs35737140, ClinGen allele CA7430504.

ClinVar aggregate classification (germline): Benign/Likely benign. Review status: criteria provided, multiple submitters, no conflicts (2 of 4 stars). 3 submissions from 3 submitters: Benign (2); Likely benign (1). Last evaluated 2026-08-01.

Allele frequency attached by ClinVar (database versions not stated): 1000 Genomes Project 30x 0.00234; TOPMed 0.00250; 1000 Genomes Project 0.00260; gnomAD 0.00295 and 0.00308; ESP Exome Variant Server 0.00300; gnomAD exomes 0.00311 and 0.00410; ExAC 0.00379.
gnomAD v4.1: 4,892 of 1,554,392 alleles (0.31%); highest among the groups gnomAD compares: South Asian, 0.98%; 29 homozygotes.

Submissions (3):

CeGaT Center for Human Genetics Tuebingen
Classification: Likely benign. Last evaluated: 2026-08-01. Review status: criteria provided, single submitter. Criteria: CeGaT Center For Human Genetics Tuebingen Variant Classification Criteria Version 2. Collection method: clinical testing. Allele origin: germline. Affected: yes. Observed: 3 variant alleles.
Comment: NPAP1: BP4, BP7, BS2

Labcorp Genetics (formerly Invitae), Labcorp
Classification: Benign. Last evaluated: 2018-03-28. Review status: criteria provided, single submitter. Criteria: Invitae Variant Classification Sherloc (09022015). Collection method: clinical testing. Allele origin: germline.

Breakthrough Genomics
Classification: Benign. Review status: criteria provided, single submitter. Criteria: ACMG Guidelines, 2015. Collection method: not provided. Allele origin: germline. Inheritance: Unknown mechanism. Affected: yes.